The following is an entry in ClinVar:

NM_017433.5(MYO3A):c.2615A>G (p.Asn872Ser)

Gene: MYO3A (myosin IIIA; plus strand). Cytogenetic location: 10p12.1.
Variant type: single nucleotide variant.
Coding change: c.2615A>G on transcript NM_017433.5 (MANE Select); coding-DNA position 2615, A replaced by G.
Protein change: p.Asn872Ser; replaces asparagine 872 with serine.
Molecular consequence: missense variant.
Genome position (GRCh38, 1-based): chr10:26,147,539, A>G. VCF-style: chr10-26147539-A-G. GRCh37 (hg19) VCF-style: chr10-26436468-A-G.
Other names: c.2615A>G (NM_017433.4); short protein forms N872S.
Identifiers: ClinVar variation 1401278 (VCV001401278.11), dbSNP rs184466929, ClinGen allele CA5445004.

ClinVar aggregate classification (germline): Conflicting classifications of pathogenicity. Review status: criteria provided, conflicting classifications (1 of 4 stars). 2 submissions from 2 submitters: Uncertain significance (1); Likely benign (1). Last evaluated 2022-03-10.

Conditions:
Inborn genetic diseases. Identifiers: MedGen C0950123, MeSH D030342.

Allele frequency attached by ClinVar (database versions not stated): gnomAD exomes 0.00001 and 0.00002; ExAC 0.00003; gnomAD 0.00006 and 0.00007; TOPMed 0.00010; ESP Exome Variant Server 0.00015; 1000 Genomes Project 0.00060; 1000 Genomes Project 30x 0.00078.
gnomAD v4.1: 24 of 1,614,038 alleles (0.0015%); highest among the groups gnomAD compares: African/African-American, 0.029%; no homozygotes.

Submissions (2):

Labcorp Genetics (formerly Invitae), Labcorp
Classification: Uncertain significance. Last evaluated: 2022-03-10. Review status: criteria provided, single submitter. Criteria: Invitae Variant Classification Sherloc (09022015). Collection method: clinical testing. Allele origin: germline.
Comment: This sequence change replaces asparagine, which is neutral and polar, with serine, which is neutral and polar, at codon 872 of the MYO3A protein (p.Asn872Ser). In summary, the available evidence is currently insufficient to determine the role of this variant in disease. Therefore, it has been classified as a Variant of Uncertain Significance. Algorithms developed to predict the effect of missense changes on protein structure and function output the following: SIFT: "Tolerated"; PolyPhen-2: "Benign"; Align-GVGD: "Class C0". The serine amino acid residue is found in multiple mammalian species, which suggests that this missense change does not adversely affect protein function. This variant has not been reported in the literature in individuals affected with MYO3A-related conditions. This variant is present in population databases (rs184466929, gnomAD 0.03%).

Ambry Genetics
Classification: Likely benign for Inborn genetic diseases. Last evaluated: 2021-06-11. Review status: criteria provided, single submitter. Criteria: Ambry Variant Classification Scheme 2023. Collection method: clinical testing. Allele origin: germline.